The following is an entry in ClinVar:

NM_007254.4(PNKP):c.344A>G (p.Gln115Arg)

Gene: PNKP (polynucleotide kinase 3'-phosphatase; minus strand). Cytogenetic location: 19q13.33.
Variant type: single nucleotide variant.
Coding change: c.344A>G on transcript NM_007254.4 (MANE Select); coding-DNA position 344, A replaced by G.
Protein change: p.Gln115Arg; replaces glutamine 115 with arginine.
Molecular consequence: missense variant.
Genome position (GRCh38, 1-based): chr19:49,865,281, T>C on the plus strand (A>G on the coding strand, the complement: PNKP is on the minus strand). VCF-style: chr19-49865281-T-C. GRCh37 (hg19) VCF-style: chr19-50368538-T-C.
Other names: short protein forms Q115R.
Identifiers: ClinVar variation 1051268 (VCV001051268.12), dbSNP rs200055661, ClinGen allele CA9586968.

ClinVar aggregate classification (germline): Uncertain significance (1 of 4 stars; one submission).

Conditions:
Developmental and epileptic encephalopathy, 12 (DEE12). Identifiers: MedGen C3150988, MONDO:0013389, OMIM 613722.

Allele frequency attached by ClinVar (database versions not stated): ExAC 0.00001; TOPMed 0.00001; gnomAD 0.00002; gnomAD exomes 0.00002.
gnomAD v4.1: 26 of 1,614,108 alleles (0.0016%); highest among the groups gnomAD compares: African/African-American, 0.0027%; no homozygotes.

Submission:

Labcorp Genetics (formerly Invitae), Labcorp
Classification: Uncertain significance for Developmental and epileptic encephalopathy, 12. Last evaluated: 2024-01-19. Review status: criteria provided, single submitter. Criteria: Invitae Variant Classification Sherloc (09022015). Collection method: clinical testing. Allele origin: germline.
Comment: This sequence change replaces glutamine, which is neutral and polar, with arginine, which is basic and polar, at codon 115 of the PNKP protein (p.Gln115Arg). This variant is not present in population databases (gnomAD no frequency). This variant has not been reported in the literature in individuals affected with PNKP-related conditions. ClinVar contains an entry for this variant (Variation ID: 1051268). Advanced modeling of protein sequence and biophysical properties (such as structural, functional, and spatial information, amino acid conservation, physicochemical variation, residue mobility, and thermodynamic stability) performed at Invitae indicates that this missense variant is not expected to disrupt PNKP protein function with a negative predictive value of 80%. In summary, the available evidence is currently insufficient to determine the role of this variant in disease. Therefore, it has been classified as a Variant of Uncertain Significance.